The following is an entry in ClinVar:

NM_001199138.2(NLRC4):c.103C>T (p.Arg35Cys)

Gene: NLRC4 (NLR family CARD domain containing 4; minus strand). Cytogenetic location: 2p22.3.
Variant type: single nucleotide variant.
Coding change: c.103C>T on transcript NM_001199138.2 (MANE Select); coding-DNA position 103, C replaced by T.
Protein change: p.Arg35Cys; replaces arginine 35 with cysteine.
Molecular consequence: missense variant.
Genome position (GRCh38, 1-based): chr2:32,252,578, G>A on the plus strand (C>T on the coding strand, the complement: NLRC4 is on the minus strand). VCF-style: chr2-32252578-G-A. GRCh37 (hg19) VCF-style: chr2-32477647-G-A.
Other names: c.103C>T, p.Arg35Cys (NM_001199139.2, NM_001302504.2, NM_021209.5); short protein forms R35C.
Identifiers: ClinVar variation 662934 (VCV000662934.8), dbSNP rs554864659, ClinGen allele CA44755316.

ClinVar aggregate classification (germline): Uncertain significance (1 of 4 stars; one submission).

Conditions:
Periodic fever-infantile enterocolitis-autoinflammatory syndrome. Also called: Autoinflammation with infantile enterocolitis. Identifiers: Orphanet 436166, MedGen C4015067, MONDO:0014472, OMIM 616050.
Familial cold autoinflammatory syndrome 4 (FCAS4). Identifiers: Orphanet 47045, Orphanet 576349, MedGen C4015276, MONDO:0014498, OMIM 616115.

Allele frequency attached by ClinVar (database versions not stated): gnomAD exomes below 0.00001; TOPMed 0.00001.
gnomAD v4.1: 5 of 1,614,108 alleles (0.00031%); highest among the groups gnomAD compares: East Asian, 0.0022%; no homozygotes.

Submission:

Labcorp Genetics (formerly Invitae), Labcorp
Classification: Uncertain significance for Periodic fever-infantile enterocolitis-autoinflammatory syndrome; Familial cold autoinflammatory syndrome 4. Last evaluated: 2018-08-01. Review status: criteria provided, single submitter. Criteria: Invitae Variant Classification Sherloc (09022015). Collection method: clinical testing. Allele origin: germline.
Comment: In summary, the available evidence is currently insufficient to determine the role of this variant in disease. Therefore, it has been classified as a Variant of Uncertain Significance. Algorithms developed to predict the effect of missense changes on protein structure and function output the following: SIFT: "Tolerated"; PolyPhen-2: "Benign"; Align-GVGD: "Class C0". The cysteine amino acid residue is found in multiple mammalian species, suggesting that this missense change does not adversely affect protein function. These predictions have not been confirmed by published functional studies and their clinical significance is uncertain. This variant has not been reported in the literature in individuals with NLRC4-related disease. This variant is not present in population databases (ExAC no frequency). This sequence change replaces arginine with cysteine at codon 35 of the NLRC4 protein (p.Arg35Cys). The arginine residue is weakly conserved and there is a large physicochemical difference between arginine and cysteine.